The following is an entry in ClinVar:

NM_019109.5(ALG1):c.1187+1G>A

Gene: ALG1 (ALG1 chitobiosyldiphosphodolichol beta-mannosyltransferase; plus strand). Cytogenetic location: 16p13.3.
Variant type: single nucleotide variant.
Coding change: c.1187+1G>A on transcript NM_019109.5 (MANE Select); the canonical splice donor site of the intron after coding-DNA position 1187, G replaced by A.
Molecular consequence: splice donor variant.
Genome position (GRCh38, 1-based): chr16:5,082,674, G>A. VCF-style: chr16-5082674-G-A. GRCh37 (hg19) VCF-style: chr16-5132675-G-A.
Other names: c.854+1G>A (NM_001330504.2).
Identifiers: ClinVar variation 95934 (VCV000095934.14), dbSNP rs374928784, ClinGen allele CA223555.

ClinVar aggregate classification (germline): Pathogenic/Likely pathogenic. Review status: criteria provided, multiple submitters, no conflicts (2 of 4 stars). 6 submissions from 6 submitters: Pathogenic (4); Likely pathogenic (1). 1 of the submissions does not count toward it. Last evaluated 2024-05-08.

Conditions:
Congenital disorder of glycosylation (CDG). Also called: Carbohydrate-deficient glycoprotein syndrome; Congenital disorders of glycosylation. Identifiers: Orphanet 137, MedGen C0282577, MONDO:0015286.
ALG1-congenital disorder of glycosylation. Also called: CDG Ik; CONGENITAL DISORDER OF GLYCOSYLATION, TYPE Ik; ALG1-CDG. Identifiers: Orphanet 79327, MedGen C2931005, MONDO:0012052, OMIM 608540.

Allele frequency attached by ClinVar (database versions not stated): gnomAD exomes 0.00001 and 0.00002; ExAC 0.00003; ESP Exome Variant Server 0.00008.
gnomAD v4.1: 3 of 1,611,290 alleles (0.00019%); highest among the groups gnomAD compares: South Asian, 0.0011%; no homozygotes.

Submissions (6):

Fulgent Genetics
Classification: Pathogenic for ALG1-congenital disorder of glycosylation. Last evaluated: 2024-05-08. Review status: criteria provided, single submitter. Criteria: ACMG Guidelines, 2015. Collection method: clinical testing. Allele origin: germline.

Labcorp Genetics (formerly Invitae), Labcorp
Classification: Pathogenic for ALG1-congenital disorder of glycosylation. Last evaluated: 2023-10-09. Review status: criteria provided, single submitter. Criteria: Invitae Variant Classification Sherloc (09022015). Collection method: clinical testing. Allele origin: germline.
Comment: This sequence change affects a donor splice site in intron 11 of the ALG1 gene. It is expected to disrupt RNA splicing. Variants that disrupt the donor or acceptor splice site typically lead to a loss of protein function (PMID: 16199547), and loss-of-function variants in ALG1 are known to be pathogenic (PMID: 20679665, 23806237). This variant is present in population databases (rs374928784, gnomAD 0.003%). Disruption of this splice site has been observed in individuals with clinical features of congenital disorder of glycosylation type 1 (PMID: 23806237, 32064623). ClinVar contains an entry for this variant (Variation ID: 95934). Algorithms developed to predict the effect of sequence changes on RNA splicing suggest that this variant may disrupt the consensus splice site. For these reasons, this variant has been classified as Pathogenic.

Department of Pathology and Laboratory Medicine, Sinai Health System
Classification: Likely pathogenic for ALG1-congenital disorder of glycosylation. Last evaluated: 2022-07-15. Review status: criteria provided, single submitter. Criteria: ACMG Guidelines, 2015. Collection method: research. Allele origin: germline.

GeneDx
Classification: Pathogenic. Last evaluated: 2016-04-20. Review status: criteria provided, single submitter. Criteria: GeneDx Variant Classification (06012015). Collection method: clinical testing. Allele origin: germline. Affected: yes.
Comment: The c.1187+1 G>A splice site variant in the ALG1 gene has been previously reported in association with congenital disorders of glycosylation (Jones et al., 2013; Ng et al., 2016). This pathogenic variant destroys the canonical splice donor site in intron 11, and is expected to cause abnormal gene splicing. Therefore, we interpret c.1187+1 G>A to be a pathogenic variant.

Eurofins Ntd Llc (ga)
Classification: Pathogenic. Last evaluated: 2013-10-08. Review status: criteria provided, single submitter. Criteria: EGL Classification Definitions 2015. Collection method: clinical testing. Allele origin: germline. Observed: 3 variant alleles, 3 heterozygotes.

University of Washington Center for Mendelian Genomics, University of Washington
Classification: Likely pathogenic for Congenital disorder of glycosylation. Last evaluated: 2017-05-25. Review status: no assertion criteria provided. Collection method: research. Allele origin: unknown. Affected: yes. Not counted in ClinVar's aggregate classification.

Literature cited by the submitters: PubMed 16199547 (cited by Labcorp Genetics (formerly Invitae), Labcorp); PubMed 20679665 (cited by Labcorp Genetics (formerly Invitae), Labcorp); PubMed 23806237 (cited by Labcorp Genetics (formerly Invitae), Labcorp); PubMed 32064623 (cited by Labcorp Genetics (formerly Invitae), Labcorp); PubMed 26931382 (cited by University of Washington Center for Mendelian Genomics, University of Washington).